The following is an entry in ClinVar:

NM_016239.4(MYO15A):c.3751A>C (p.Ile1251Leu)

Gene: MYO15A (myosin XVA; plus strand). Cytogenetic location: 17p11.2.
Variant type: single nucleotide variant.
Coding change: c.3751A>C on transcript NM_016239.4 (MANE Select); coding-DNA position 3751, A replaced by C.
Protein change: p.Ile1251Leu; replaces isoleucine 1251 with leucine.
Molecular consequence: missense variant.
Genome position (GRCh38, 1-based): chr17:18,125,226, A>C. VCF-style: chr17-18125226-A-C. GRCh37 (hg19) VCF-style: chr17-18028540-A-C.
Other names: c.3751A>C (NM_016239.3); short protein forms I1251L.
Identifiers: ClinVar variation 916323 (VCV000916323.46), dbSNP rs755138984, ClinGen allele CA8423560.
Genomic context (GRCh38, chr17:18,125,226, plus strand): 5'-AGAGACCTCCAGGAAACCACTGTGCTGTCCAACCTCAAGATTAGATTTGAACGGAACCTC[A>C]TCTACGTAAGGCCTGGGGCTGGCCCTGCCCTGGGCCTAGGTCAGGAAGGCAGCTGCCTCC-3'
Protein context (NP_057323.3, residues 1241-1261): NLKIRFERNL[Ile1251Leu]YTYIGSILVS

ClinVar aggregate classification (germline): Uncertain significance. Review status: criteria provided, multiple submitters, no conflicts (2 of 4 stars). 3 submissions from 3 submitters: Uncertain significance (3). Last evaluated 2026-01-17.

Conditions:
Inborn genetic diseases. Identifiers: MedGen C0950123, MeSH D030342.

Allele frequency attached by ClinVar (database versions not stated): ExAC 0.00001; gnomAD exomes 0.00001; TOPMed 0.00001.

Submissions (3):

Labcorp Genetics (formerly Invitae), Labcorp
Classification: Uncertain significance. Last evaluated: 2026-01-17. Review status: criteria provided, single submitter. Criteria: Invitae Variant Classification Sherloc (09022015). Collection method: clinical testing. Allele origin: germline.
Comment: This sequence change replaces isoleucine, which is neutral and non-polar, with leucine, which is neutral and non-polar, at codon 1251 of the MYO15A protein (p.Ile1251Leu). This variant is present in population databases (rs755138984, gnomAD 0.003%). This variant has not been reported in the literature in individuals affected with MYO15A-related conditions. ClinVar contains an entry for this variant (Variation ID: 916323). Invitae Evidence Modeling of protein sequence and biophysical properties (such as structural, functional, and spatial information, amino acid conservation, physicochemical variation, residue mobility, and thermodynamic stability) has been performed for this missense variant. However, the output from this modeling did not meet the statistical confidence thresholds required to predict the impact of this variant on MYO15A protein function. In summary, the available evidence is currently insufficient to determine the role of this variant in disease. Therefore, it has been classified as a Variant of Uncertain Significance.

Ambry Genetics
Classification: Uncertain significance for Inborn genetic diseases. Last evaluated: 2024-05-24. Review status: criteria provided, single submitter. Criteria: Ambry Variant Classification Scheme 2023. Collection method: clinical testing. Allele origin: germline.

CeGaT Center for Human Genetics Tuebingen
Classification: Uncertain significance. Last evaluated: 2020-02-01. Review status: criteria provided, single submitter. Criteria: CeGaT Center For Human Genetics Tuebingen Variant Classification Criteria Version 2. Collection method: clinical testing. Allele origin: germline. Affected: yes. Observed: 1 variant allele.